The following is an entry in ClinVar:

ClinVar aggregate classification (germline): Benign (1 of 4 stars; one submission).

Conditions:
Focal segmental glomerulosclerosis 3, susceptibility to (FSGS3). Identifiers: Orphanet 656, MedGen C1842982, MONDO:0011917, OMIM 607832.

Allele frequency attached by ClinVar (database versions not stated): gnomAD exomes 0.00291; gnomAD 0.00392 and 0.00416; TOPMed 0.00766; 1000 Genomes Project 0.01058; 1000 Genomes Project 30x 0.01062.
gnomAD v4.1: 1,846 of 570,766 alleles (0.32%); highest among the groups gnomAD compares: Admixed American, 3.9%; 41 homozygotes.

Submission:

Illumina Laboratory Services, Illumina
Classification: Benign for Focal segmental glomerulosclerosis 3, susceptibility to. Last evaluated: 2018-01-13. Review status: criteria provided, single submitter. Criteria: ICSL Variant Classification Criteria 13 December 2019. Collection method: clinical testing. Allele origin: germline.
Comment: This variant was observed in the ICSL laboratory as part of a predisposition screen in an ostensibly healthy population. It had not been previously curated by ICSL or reported in the Human Gene Mutation Database (HGMD: prior to June 1st, 2018), and was therefore a candidate for classification through an automated scoring system. Utilizing variant allele frequency, disease prevalence and penetrance estimates, and inheritance mode, an automated score was calculated to assess if this variant is too frequent to cause the disease. Based on the score and internal cut-off values, a variant classified as benign is not then subjected to further curation. The score for this variant resulted in a classification of benign for this disease.

NM_012120.3(CD2AP):c.*186A>T

Gene: CD2AP (CD2 associated protein; plus strand). Cytogenetic location: 6p12.3.
Variant type: single nucleotide variant.
Coding change: c.*186A>T on transcript NM_012120.3 (MANE Select); 186 bases downstream of the stop codon, A replaced by T.
Molecular consequence: 3 prime UTR variant.
Genome position (GRCh38, 1-based): chr6:47,624,413, A>T. VCF-style: chr6-47624413-A-T. GRCh37 (hg19) VCF-style: chr6-47592149-A-T.
Identifiers: ClinVar variation 357181 (VCV000357181.5), dbSNP rs9381582, ClinGen allele CA10627028.